The following is an entry in ClinVar:

NM_005529.7(HSPG2):c.3337G>A (p.Glu1113Lys)

Gene: HSPG2 (heparan sulfate proteoglycan 2; minus strand). Cytogenetic location: 1p36.12.
Variant type: single nucleotide variant.
Coding change: c.3337G>A on transcript NM_005529.7 (MANE Select); coding-DNA position 3337, G replaced by A.
Protein change: p.Glu1113Lys; replaces glutamic acid 1113 with lysine.
Molecular consequence: missense variant.
Genome position (GRCh38, 1-based): chr1:21,874,968, C>T on the plus strand (G>A on the coding strand, the complement: HSPG2 is on the minus strand). VCF-style: chr1-21874968-C-T. GRCh37 (hg19) VCF-style: chr1-22201461-C-T.
Other names: c.3340G>A, p.Glu1114Lys (NM_001291860.2); c.3337G>A (NM_005529.5); short protein forms E1113K, E1114K.
Identifiers: ClinVar variation 447548 (VCV000447548.11), dbSNP rs112459669, ClinGen allele CA672684.

ClinVar aggregate classification (germline): Uncertain significance. Review status: criteria provided, multiple submitters, no conflicts (2 of 4 stars). 4 submissions from 4 submitters: Uncertain significance (4). Last evaluated 2025-11-26.

Conditions:
Inborn genetic diseases. Identifiers: MedGen C0950123, MeSH D030342.

Allele frequency attached by ClinVar (database versions not stated): ExAC 0.00001; gnomAD 0.00003 and 0.00004; gnomAD exomes 0.00003; TOPMed 0.00005.
gnomAD v4.1: 63 of 1,609,332 alleles (0.0039%); highest among the groups gnomAD compares: African/African-American, 0.017%; no homozygotes.

Submissions (4):

Ambry Genetics
Classification: Uncertain significance for Inborn genetic diseases. Last evaluated: 2025-11-26. Review status: criteria provided, single submitter. Criteria: Ambry Variant Classification Scheme 2023. Collection method: clinical testing. Allele origin: germline.

Labcorp Genetics (formerly Invitae), Labcorp
Classification: Uncertain significance. Last evaluated: 2025-06-17. Review status: criteria provided, single submitter. Criteria: Invitae Variant Classification Sherloc (09022015). Collection method: clinical testing. Allele origin: germline.
Comment: This sequence change replaces glutamic acid, which is acidic and polar, with lysine, which is basic and polar, at codon 1113 of the HSPG2 protein (p.Glu1113Lys). This variant is present in population databases (rs112459669, gnomAD 0.009%). This variant has not been reported in the literature in individuals affected with HSPG2-related conditions. ClinVar contains an entry for this variant (Variation ID: 447548). An algorithm developed to predict the effect of missense changes on protein structure and function (PolyPhen-2) suggests that this variant is likely to be tolerated. In summary, the available evidence is currently insufficient to determine the role of this variant in disease. Therefore, it has been classified as a Variant of Uncertain Significance.

Blueprint Genetics
Classification: Uncertain significance. Last evaluated: 2024-03-11. Review status: criteria provided, single submitter. Criteria: ACMG Guidelines, 2015. Collection method: clinical testing. Allele origin: germline.

Athena Diagnostics
Classification: Uncertain significance. Last evaluated: 2016-09-29. Review status: criteria provided, single submitter. Criteria: Athena Diagnostics Criteria. Collection method: clinical testing. Allele origin: germline.